The following is an entry in ClinVar:

NM_004004.6(GJB2):c.339T>G (p.Ser113Arg)

Gene: GJB2 (gap junction protein beta 2; minus strand). Cytogenetic location: 13q12.11.
Variant type: single nucleotide variant.
Coding change: c.339T>G on transcript NM_004004.6 (MANE Select); coding-DNA position 339, T replaced by G.
Protein change: p.Ser113Arg; replaces serine 113 with arginine.
Molecular consequence: missense variant.
Genome position (GRCh38, 1-based): chr13:20,189,243, A>C on the plus strand (T>G on the coding strand, the complement: GJB2 is on the minus strand). VCF-style: chr13-20189243-A-C. GRCh37 (hg19) VCF-style: chr13-20763382-A-C.
Other names: NM_004004.6(GJB2):c.339T>G; short protein forms S113R.
Identifiers: ClinVar variation 21385 (VCV000021385.25), dbSNP rs80338946, ClinGen allele CA342004.

ClinVar aggregate classification (germline): Uncertain significance. Review status: reviewed by expert panel (3 of 4 stars). 8 submissions from 8 submitters: Uncertain significance (1). 7 of the submissions do not count toward it. Last evaluated 2024-01-17.

Conditions:
GJB2-related disorder. Also called: GJB2-related condition; GJB2-related disorders. Identifiers: MedGen CN382183, MONDO:1060236.
Autosomal recessive nonsyndromic hearing loss 1A (DFNB1A). Also called: Deafness, autosomal recessive 1A; GJB2-Related Autosomal Recessive Nonsyndromic Hearing Loss; Connexin 26 deafness; Deafness nonsyndromic, Connexin 26 linked; Nonsyndromic Hearing Loss and Deafness, DFNB1; GJB6-Related DFNB 1 Nonsyndromic Hearing Loss and Deafness. Identifiers: Orphanet 90636, MedGen C2673759, MONDO:0009076, OMIM 220290.
Palmoplantar keratoderma-deafness syndrome. Also called: Keratoderma palmoplantar, with deafness; Palmoplantar keratoderma and sensorineural deafness; Hereditary palmoplantar keratoderma with deafness (subtype); Focal palmoplantar keratoderma with sensorineural deafness (subtype); Diffuse palmoplantar keratoderma with deafness (subtype). Identifiers: Orphanet 2202, MedGen C1835672, MONDO:0007852, OMIM 148350.
Knuckle pads, deafness AND leukonychia syndrome. Also called: Bart-Pumphrey syndrome. Identifiers: Orphanet 2698, MedGen C0266004, MONDO:0007866, OMIM 149200.
Autosomal dominant keratitis-ichthyosis-hearing loss syndrome. Also called: HID SYNDROME; KID SYNDROME, AUTOSOMAL DOMINANT; Senter syndrome. Identifiers: Orphanet 477, MedGen C0265336, MONDO:0007850, OMIM 148210.
Autosomal dominant nonsyndromic hearing loss 3A. Identifiers: Orphanet 90635, MedGen C2675750, MONDO:0011103, OMIM 601544.
Ichthyosis, hystrix-like, with hearing loss. Also called: Hystrix-like ichthyosis with deafness. Identifiers: Orphanet 477, MedGen C1865234, MONDO:0011245.
Mutilating keratoderma (VOWNKL). Also called: Keratoderma hereditarium mutilans. Identifiers: Orphanet 494, MedGen C0265964, MONDO:0007422, OMIM 124500.
Nonsyndromic genetic hearing loss. Also called: Nonsyndromic hearing loss and deafness; Non-syndromic genetic deafness; Nonsyndromic genetic deafness. Identifiers: Orphanet 87884, MedGen C5680182, MONDO:0019497.

Allele frequency attached by ClinVar (database versions not stated): TOPMed below 0.00001; ExAC 0.00001; gnomAD exomes 0.00001.
gnomAD v4.1: 7 of 1,613,048 alleles (0.00043%); no homozygotes.

Submissions (8):

ClinGen Hearing Loss Variant Curation Expert Panel
Classification: Uncertain significance for Nonsyndromic genetic hearing loss. Last evaluated: 2024-01-17. Review status: reviewed by expert panel. Criteria: Clingen Hl Acmg Specifications Cdh23 Coch Gjb2 Kcnq4 Myo6 Myo7a Slc26a4 Tecta Ush2a V2. Collection method: curation. Allele origin: germline. Inheritance: Autosomal recessive inheritance.
Comment: The c.339T>G variant in GJB2 is a missense variant predicted to cause substitution of serine by arginine at amino acid 113. The highest population minor allele frequency in gnomAD v4.0.0 is 0.02% (7/26136 alleles) in the Ashkenazi Jewish population (PM2_Supporting, BS1, and BA1 are not met). The computational predictor REVEL provides a score of 0.553 which is neither above nor below the thresholds predicting a damaging or benign impact on GJB2 function (PP3 and BP4 are not met). An in vitro functional study performed in Xenopus oocytes showed that variant junctional conductance for p.Ser113Arg was similar to water (negative control), indicating a loss of function impact on protein function (PS3_Moderate; PMID:12505163). The p.Ser113Arg variant has been reported in several probands with hearing loss, including 3 individuals with a second pathogenic variant without phase confirmation (1.5 points, PM3, PMID: 15365987, 11439000, 9529365, 16380907, 24078562). In summary, this variant meets the criteria to be classified as a variant of uncertain significance for nonsyndromic genetic hearing loss based on the ACMG/AMP criteria applied, as specified by the ClinGen Hearing Loss VCEP: PS3_Moderate, PM3. (ClinGen Hearing Loss VCEP specifications version 2; 01/17/2024).

PreventionGenetics, part of Exact Sciences
Classification: Uncertain significance for GJB2-related condition. Last evaluated: 2026-08-05. Review status: criteria provided, single submitter. Criteria: ACMG Guidelines, 2015. Collection method: clinical testing. Allele origin: germline. Not counted in ClinVar's aggregate classification.
Comment: The GJB2 c.339T>G variant is predicted to result in the amino acid substitution p.Ser113Arg. This variant has been reported along with a second GJB2 variant in at least two individuals with nonsyndromic hearing loss, although phase of the two variants was not clearly stated (McGuirt et al. 2002. PubMed ID: 12408072; Wang et al. 2013. PubMed ID: 24078562). This variant has also been observed once in a cohort of families with autosomal recessive hearing loss; however, no patient- or family-specific genotype information was provided (Kelley et al. 1998. PubMed ID: 9529365). In vitro experimental studies in Xenopus oocytes suggested that this variant results in a complete loss of gap channel conductance despite normal protein expression (Bruzzone et al. 2003. PubMed ID: 12505163). This variant is assessed as uncertain by ClinGen hearing loss expert group and its classification in ClinVar is assessed as uncertain or likely pathogenic (Variation ID: 21385). This variant is reported in 0.030% of alleles in individuals of Ashkenazi Jewish descent in gnomAD. Although we suspect that this variant may be pathogenic, at this time, the clinical significance of this variant is uncertain due to the absence of conclusive functional and genetic evidence.

Fulgent Genetics
Classification: Likely pathogenic for Mutilating keratoderma; Autosomal dominant keratitis-ichthyosis-hearing loss syndrome; Palmoplantar keratoderma-deafness syndrome; Knuckle pads, deafness AND leukonychia syndrome; Autosomal recessive nonsyndromic hearing loss 1A; Autosomal dominant nonsyndromic hearing loss 3A. Last evaluated: 2024-02-03. Review status: criteria provided, single submitter. Criteria: ACMG Guidelines, 2015. Collection method: clinical testing. Allele origin: germline. Not counted in ClinVar's aggregate classification.

Labcorp Genetics (formerly Invitae), Labcorp
Classification: Likely pathogenic. Last evaluated: 2023-12-19. Review status: criteria provided, single submitter. Criteria: Invitae Variant Classification Sherloc (09022015). Collection method: clinical testing. Allele origin: germline. Not counted in ClinVar's aggregate classification.
Comment: This sequence change replaces serine, which is neutral and polar, with arginine, which is basic and polar, at codon 113 of the GJB2 protein (p.Ser113Arg). This variant is present in population databases (rs80338946, gnomAD 0.03%). This missense change has been observed in individual(s) with autosomal recessive non-syndromic deafness (PMID: 9529365, 12408072, 24078562). In at least one individual the data is consistent with being in trans (on the opposite chromosome) from a pathogenic variant. ClinVar contains an entry for this variant (Variation ID: 21385). Advanced modeling of protein sequence and biophysical properties (such as structural, functional, and spatial information, amino acid conservation, physicochemical variation, residue mobility, and thermodynamic stability) performed at Invitae indicates that this missense variant is not expected to disrupt GJB2 protein function with a negative predictive value of 95%. Experimental studies have shown that this missense change affects GJB2 function (PMID: 12505163). In summary, the currently available evidence indicates that the variant is pathogenic, but additional data are needed to prove that conclusively. Therefore, this variant has been classified as Likely Pathogenic.

Women's Health and Genetics/Laboratory Corporation of America, LabCorp
Classification: Likely pathogenic for Nonsyndromic genetic hearing loss. Last evaluated: 2023-01-17. Review status: criteria provided, single submitter. Criteria: LabCorp Variant Classification Summary - May 2015. Collection method: clinical testing. Allele origin: germline. Not counted in ClinVar's aggregate classification.
Comment: Variant summary: GJB2 c.339T>G (p.Ser113Arg) results in a non-conservative amino acid change located in the Connexin, N-terminal domain (IPR013092) of the encoded protein sequence. Three of five in-silico tools predict a benign effect of the variant on protein function. The variant allele was found at a frequency of 1.2e-05 in 250234 control chromosomes. c.339T>G has been reported in the literature as a compound heterozygous genotype in at-least two individuals reportedly affected with features of non syndromic hearing loss (NSHL) and as a non-informative genotype (second allele not specified) in many non syndromic hearing loss cohorts (example, Kelley_1998, McGuirt_2002, Gardner_2006, Snoeckx_2005, Wang_2013). These data indicate that the variant may be associated with disease. At least one publication reports experimental evidence evaluating an impact on protein function (Bruzzone_2003). The most pronounced variant effect results in loss of junctional conductance due to inability to form homotypic junctional channels. Two clinical diagnostic laboratories and an expert panel (ClinGen Hearing Loss Variant Curation Expert Panel) have submitted clinical-significance assessments for this variant to ClinVar after 2014 without evidence for independent evaluation. Multiple laboratories reported the variant with conflicting assessments (VUS, n=3 including the expert panel; Likely pathogenic, n=2) citing overlapping evidence utilized in the context of this evaluation. Based on the evidence outlined above, the variant was classified as likely pathogenic.

Illumina Laboratory Services, Illumina
Classification: Likely pathogenic for Autosomal recessive nonsyndromic hearing loss 1A. Last evaluated: 2017-04-27. Review status: criteria provided, single submitter. Criteria: ICSL Variant Classification Criteria 09 May 2019. Collection method: clinical testing. Allele origin: germline. Not counted in ClinVar's aggregate classification.
Comment: The GJB2 c.339T>G (p.Ser113Arg) missense variant has been reported in at least three studies in which it is found a total of four patients with an autosomal recessive form of nonsyndromic hearing loss, including in two in a compound heterozygous state and two in a heterozygous state where the zygosity of the variant is unknown (Kelly et al. 1998; Azaiez et al. 2004; Wang et al. 2013). The p.Ser113Arg variant was absent from 96 controls and is reported at a frequency of 0.00002 in the European (non-Finnish) population of the Exome Aggregation Consortium. This frequency is based on one allele only in a region of good sequence coverage so the variant is presumed to be rare. Functional studies in Xenopus oocytes demonstrated that the variant resulted in only background levels of junctional conductance and did not induce the formation of homotypic junctional channels (Bruzzone et al. 2003). Structural modelling experiments showed that the variant is located at a conserved site (Fan et al. 2012). Based on the available evidence the p.Ser113Arg variant is classified as likely pathogenic for an autosomal recessive form of nonsyndromic hearing loss. This variant was observed by ICSL as part of a predisposition screen in an ostensibly healthy population.

Counsyl
Classification: Uncertain significance for Autosomal recessive nonsyndromic hearing loss 1A. Last evaluated: 2017-06-13. Review status: no assertion criteria provided. Collection method: clinical testing. Allele origin: unknown. Not counted in ClinVar's aggregate classification.

GeneReviews
No classification provided. Condition: Autosomal recessive nonsyndromic hearing loss 1A. Review status: no classification provided. Collection method: literature only. Allele origin: unknown. Not counted in ClinVar's aggregate classification.

Literature cited by the submitters: PubMed 9529365 (cited by 4 submitters); PubMed 12408072 (cited by Labcorp Genetics (formerly Invitae), Labcorp and Women's Health and Genetics/Laboratory Corporation of America, LabCorp); PubMed 24078562 (cited by 3 submitters); PubMed 12505163 (cited by 4 submitters); PubMed 16380907 (cited by 3 submitters); PubMed 16950989 (cited by Women's Health and Genetics/Laboratory Corporation of America, LabCorp); PubMed 15365987 (cited by Illumina Laboratory Services, Illumina and Counsyl); PubMed 20301449 (cited by GeneReviews); NCBI Bookshelf NBK1272 (cited by GeneReviews).